The following is an entry in ClinVar:

NM_199420.4(POLQ):c.56C>T (p.Ser19Leu)

Genes: POLQ (DNA polymerase theta; minus strand), LOC112872292 (Sharpr-MPRA regulatory region 30; plus strand). Cytogenetic location: 3q13.33.
Variant type: single nucleotide variant.
Coding change: c.56C>T on transcript NM_199420.4 (MANE Select); coding-DNA position 56, C replaced by T.
Protein change: p.Ser19Leu; replaces serine 19 with leucine.
Molecular consequence: missense variant.
Genome position (GRCh38, 1-based): chr3:121,545,822, G>A on the plus strand (C>T on the coding strand, the complement: POLQ is on the minus strand). VCF-style: chr3-121545822-G-A. GRCh37 (hg19) VCF-style: chr3-121264669-G-A.
Other names: short protein forms S19L.
Identifiers: ClinVar variation 3422630 (VCV003422630.1).
Genomic context (GRCh38, chr3:121,545,822, plus strand): 5'-AGCACGGACCCGGAGAGGAACTGGGGGCTGGCACTGCTGTCACCGCCGCTTCCCGAGAAC[G>A]AATCTGAGCCTGATTCTGAACGCCGCCGTTTCCCACTCCGACGCAGAAGATTCATGGCAA-3'
Protein context (NP_955452.3, residues 9-29): KRRRSESGSD[Ser19Leu]FSGSGGDSSA

ClinVar aggregate classification (germline): Uncertain significance (1 of 4 stars; one submission).

Submission:

Ambry Genetics
Classification: Uncertain significance. Last evaluated: 2024-10-29. Review status: criteria provided, single submitter. Criteria: Ambry Variant Classification Scheme 2023. Collection method: clinical testing. Allele origin: germline.
Comment: The p.S19L variant (also known as c.56C>T), located in coding exon 1 of the POLQ gene, results from a C to T substitution at nucleotide position 56. The serine at codon 19 is replaced by leucine, an amino acid with dissimilar properties. This amino acid position is conserved. In addition, this alteration is predicted to be tolerated by in silico analysis. Based on the available evidence, the clinical significance of this variant remains unclear.